The following is an entry in ClinVar:

ClinVar aggregate classification (germline): Benign/Likely benign. Review status: criteria provided, multiple submitters, no conflicts (2 of 4 stars). 2 submissions from 2 submitters: Benign (1); Likely benign (1). Last evaluated 2026-06-10.

Allele frequency attached by ClinVar (database versions not stated): TOPMed 0.00002; gnomAD 0.00007; 1000 Genomes Project 0.00100; ExAC 0.00048; 1000 Genomes Project 30x 0.00125; gnomAD exomes 0.00018 and 0.00041.
gnomAD v4.1: 274 of 1,612,692 alleles (0.017%); highest among the groups gnomAD compares: South Asian, 0.29%; 4 homozygotes.

Submissions (2):

Women's Health and Genetics/Laboratory Corporation of America, LabCorp
Classification: Likely benign. Last evaluated: 2026-06-10. Review status: criteria provided, single submitter. Criteria: LabCorp Variant Classification Summary - May 2015. Collection method: clinical testing. Allele origin: germline.
Comment: Variant summary: GHR c.995A>G (p.Tyr332Cys) results in a non-conservative amino acid change in the encoded protein sequence. Algorithms developed to predict the effect of missense changes on protein structure and function are either unavailable or do not agree on the potential impact of this missense change. The variant allele was found at a frequency of 0.00041 in 251066 control chromosomes in the gnomAD database, including 1 homozygotes. To our knowledge, no occurrence of c.995A>G in individuals affected with GHR-related conditions and no experimental evidence demonstrating its impact on protein function have been reported. ClinVar contains an entry for this variant (Variation ID: 1637543). Based on the evidence outlined above, the variant was classified as likely benign.

Labcorp Genetics (formerly Invitae), Labcorp
Classification: Benign. Last evaluated: 2025-03-17. Review status: criteria provided, single submitter. Criteria: Invitae Variant Classification Sherloc (09022015). Collection method: clinical testing. Allele origin: germline.

NM_000163.5(GHR):c.995A>G (p.Tyr332Cys)

Gene: GHR (growth hormone receptor; plus strand). Cytogenetic location: 5p12.
Variant type: single nucleotide variant.
Coding change: c.995A>G on transcript NM_000163.5 (MANE Select); coding-DNA position 995, A replaced by G.
Protein change: p.Tyr332Cys; replaces tyrosine 332 with cysteine.
Molecular consequence: missense variant. On other transcripts: 3 prime UTR variant (1).
Genome position (GRCh38, 1-based): chr5:42,718,502, A>G. VCF-style: chr5-42718502-A-G. GRCh37 (hg19) VCF-style: chr5-42718604-A-G.
Other names: c.1016A>G, p.Tyr339Cys (NM_001242399.2); c.995A>G, p.Tyr332Cys (NM_001242400.2, NM_001242401.4, NM_001242402.2 and 4 more transcripts); c.929A>G, p.Tyr310Cys (NM_001242460.2); c.*37A>G (NM_001242462.1); short protein forms Y310C, Y332C, Y339C.
Identifiers: ClinVar variation 1637543 (VCV001637543.9), dbSNP rs540473875, ClinGen allele CA3254577.
Genomic context (GRCh38, chr5:42,718,502, plus strand): 5'-CTATTTTCTAGGAAGGAAAATTAGAGGAGGTGAACACAATCTTAGCCATTCATGATAGCT[A>G]TAAACCCGAATTCCACAGTGATGACTCTTGGGTTGAATTTATTGAGCTAGATATTGATGA-3'
Protein context (NP_000154.1, residues 322-342): VNTILAIHDS[Tyr332Cys]KPEFHSDDSW